The following is an entry in ClinVar:

NM_020247.5(COQ8A):c.*9G>A

Gene: COQ8A (coenzyme Q8A; plus strand). Cytogenetic location: 1q42.13.
Variant type: single nucleotide variant.
Coding change: c.*9G>A on transcript NM_020247.5 (MANE Select); 9 bases downstream of the stop codon, G replaced by A.
Molecular consequence: 3 prime UTR variant.
Genome position (GRCh38, 1-based): chr1:226,986,746, G>A. VCF-style: chr1-226986746-G-A. GRCh37 (hg19) VCF-style: chr1-227174447-G-A.
Identifiers: ClinVar variation 377448 (VCV000377448.7), dbSNP rs200743857, ClinGen allele CA1425718.

ClinVar aggregate classification (germline): Likely benign. Review status: criteria provided, multiple submitters, no conflicts (2 of 4 stars). 2 submissions from 2 submitters: Likely benign (2). Last evaluated 2025-07-22.

Allele frequency attached by ClinVar (database versions not stated): 1000 Genomes Project 30x 0.00094; 1000 Genomes Project 0.00100; gnomAD 0.00133 and 0.00142; TOPMed 0.00149; ESP Exome Variant Server 0.00208; gnomAD exomes 0.00010 and 0.00041; ExAC 0.00062.
gnomAD v4.1: 350 of 1,611,170 alleles (0.022%); highest among the groups gnomAD compares: African/African-American, 0.43%; 1 homozygote.

Submissions (2):

Athena Diagnostics
Classification: Likely benign. Last evaluated: 2025-07-22. Review status: criteria provided, single submitter. Criteria: Athena Diagnostics Criteria. Collection method: clinical testing. Allele origin: unknown.
Comment: The frequency of this variant in the general population is higher than would generally be expected for pathogenic variants in this gene.

GeneDx
Classification: Likely benign. Last evaluated: 2021-11-12. Review status: criteria provided, single submitter. Criteria: GeneDx Variant Classification Process June 2021. Collection method: clinical testing. Allele origin: germline. Affected: yes.

Literature cited by the submitters: PubMed 29255295 (cited by Athena Diagnostics).